The following is an entry in ClinVar:

ClinVar aggregate classification (germline): Uncertain significance. Review status: criteria provided, multiple submitters, no conflicts (2 of 4 stars). 2 submissions from 2 submitters: Uncertain significance (2). Last evaluated 2024-11-18.

Conditions:
Neuroblastoma, susceptibility to, 3. Also called: ALK-Related Neuroblastic Tumor Susceptibility. Identifiers: Orphanet 635, MedGen C2751681, MONDO:0013083, OMIM 613014.
Hereditary cancer-predisposing syndrome. Also called: Neoplastic Syndromes, Hereditary; Tumor predisposition; Hereditary neoplastic syndrome; Hereditary Cancer Syndrome. Identifiers: Orphanet 140162, MedGen C0027672, MeSH D009386, MONDO:0015356.

Allele frequency attached by ClinVar (database versions not stated): gnomAD exomes below 0.00001; TOPMed below 0.00001.
gnomAD v4.1: 1 of 1,614,156 alleles (0.000062%); highest among the groups gnomAD compares: East Asian, 0.0022%; no homozygotes.

Submissions (2):

Ambry Genetics
Classification: Uncertain significance for Hereditary cancer-predisposing syndrome. Last evaluated: 2024-11-18. Review status: criteria provided, single submitter. Criteria: Ambry Variant Classification Scheme 2023. Collection method: clinical testing. Allele origin: germline.
Comment: The p.G1534R variant (also known as c.4600G>C), located in coding exon 29 of the ALK gene, results from a G to C substitution at nucleotide position 4600. The glycine at codon 1534 is replaced by arginine, an amino acid with dissimilar properties. This amino acid position is conserved. In addition, the in silico prediction for this alteration is inconclusive. Since supporting evidence is limited at this time, the clinical significance of this alteration remains unclear.

Labcorp Genetics (formerly Invitae), Labcorp
Classification: Uncertain significance for Neuroblastoma, susceptibility to, 3. Last evaluated: 2021-01-07. Review status: criteria provided, single submitter. Criteria: Invitae Variant Classification Sherloc (09022015). Collection method: clinical testing. Allele origin: germline.
Comment: In summary, the available evidence is currently insufficient to determine the role of this variant in disease. Therefore, it has been classified as a Variant of Uncertain Significance. Algorithms developed to predict the effect of missense changes on protein structure and function (SIFT, PolyPhen-2, Align-GVGD) all suggest that this variant is likely to be disruptive, but these predictions have not been confirmed by published functional studies and their clinical significance is uncertain. This variant has not been reported in the literature in individuals with ALK-related conditions. This sequence change replaces glycine with arginine at codon 1534 of the ALK protein (p.Gly1534Arg). The glycine residue is highly conserved and there is a moderate physicochemical difference between glycine and arginine. This variant is not present in population databases (ExAC no frequency).

NM_004304.5(ALK):c.4600G>C (p.Gly1534Arg)

Gene: ALK (ALK receptor tyrosine kinase; minus strand). Cytogenetic location: 2p23.2.
Variant type: single nucleotide variant.
Coding change: c.4600G>C on transcript NM_004304.5 (MANE Select); coding-DNA position 4600, G replaced by C.
Protein change: p.Gly1534Arg; replaces glycine 1534 with arginine.
Molecular consequence: missense variant.
Genome position (GRCh38, 1-based): chr2:29,193,487, C>G on the plus strand (G>C on the coding strand, the complement: ALK is on the minus strand). VCF-style: chr2-29193487-C-G. GRCh37 (hg19) VCF-style: chr2-29416353-C-G.
Other names: c.1396G>C, p.Gly466Arg (NM_001353765.2); short protein forms G1534R, G466R.
Identifiers: ClinVar variation 1491106 (VCV001491106.11), dbSNP rs1453682751, ClinGen allele CA346460627.
Genomic context (GRCh38, chr2:29,193,487, plus strand): 5'-AGGCCCCCGGAAGTCTCCCAGTTGCAACGTTAGGTGGGACAGTACAGCTTCCCTCCAGCC[C>G]CAGGTTACCCCTGTCGTGTGGCTCCTTCTTTGCTATAGGATTATTCTTTTTGGTGGGTTT-3'
Protein context (NP_004295.2, residues 1524-1544): KKEPHDRGNL[Gly1534Arg]LEGSCTVPPN